The following is an entry in ClinVar:

ClinVar aggregate classification (germline): Likely benign (1 of 4 stars; one submission).

Allele frequency attached by ClinVar (database versions not stated): 1000 Genomes Project 30x 0.00156; 1000 Genomes Project 0.00160; ExAC 0.00370; gnomAD 0.00404; TOPMed 0.00422; ESP Exome Variant Server 0.00477.
gnomAD v4.1: 8,437 of 1,613,186 alleles (0.52%); highest among the groups gnomAD compares: Middle Eastern, 0.93%; 25 homozygotes.

Submission:

CeGaT Center for Human Genetics Tuebingen
Classification: Likely benign. Last evaluated: 2022-09-01. Review status: criteria provided, single submitter. Criteria: CeGaT Center For Human Genetics Tuebingen Variant Classification Criteria Version 2. Collection method: clinical testing. Allele origin: germline. Affected: yes. Observed: 1 variant allele.
Comment: NOL6: BP4, BS2

NM_022917.5(NOL6):c.2291G>A (p.Arg764His)

Gene: NOL6 (nucleolar protein 6; minus strand). Cytogenetic location: 9p13.3.
Variant type: single nucleotide variant.
Coding change: c.2291G>A on transcript NM_022917.5 (MANE Select); coding-DNA position 2291, G replaced by A.
Protein change: p.Arg764His; replaces arginine 764 with histidine.
Molecular consequence: missense variant. On other transcripts: intron variant (1).
Genome position (GRCh38, 1-based): chr9:33,466,144, C>T on the plus strand (G>A on the coding strand, the complement: NOL6 is on the minus strand). VCF-style: chr9-33466144-C-T. GRCh37 (hg19) VCF-style: chr9-33466142-C-T.
Other names: c.1950+768G>A (NM_139235.4); short protein forms R764H.
Identifiers: ClinVar variation 2659147 (VCV002659147.24), dbSNP rs111688613, ClinGen allele CA5026967.